The following is an entry in ClinVar:

ClinVar aggregate classification (germline): Uncertain significance (1 of 4 stars; one submission).

Conditions:
Congenital contractural arachnodactyly (CCA). Also called: BEALS SYNDROME; Beals-Hecht syndrome; Arthrogryposis, distal, type 9. Identifiers: Orphanet 115, MedGen C0220668, MONDO:0007363, OMIM 121050.

Submission:

Labcorp Genetics (formerly Invitae), Labcorp
Classification: Uncertain significance for Congenital contractural arachnodactyly. Last evaluated: 2022-07-19. Review status: criteria provided, single submitter. Criteria: Invitae Variant Classification Sherloc (09022015). Collection method: clinical testing. Allele origin: germline.
Comment: ClinVar contains an entry for this variant (Variation ID: 860377). This sequence change creates a premature translational stop signal (p.Ala404Serfs*8) in the FBN2 gene. It is expected to result in an absent or disrupted protein product. However, the current clinical and genetic evidence is not sufficient to establish whether loss-of-function variants in FBN2 cause disease. This variant is not present in population databases (gnomAD no frequency). This variant has not been reported in the literature in individuals affected with FBN2-related conditions. In summary, the available evidence is currently insufficient to determine the role of this variant in disease. Therefore, it has been classified as a Variant of Uncertain Significance.

NM_001999.4(FBN2):c.1209dup (p.Ala404fs)

Gene: FBN2 (fibrillin 2; minus strand). Cytogenetic location: 5q23.3.
Variant type: Duplication.
Coding change: c.1209dup on transcript NM_001999.4 (MANE Select); coding-DNA position 1209, one base duplicated (A; older notation c.1209dupA).
Protein change: p.Ala404fs; shifts the reading frame from alanine 404.
Molecular consequence: frameshift variant.
Genome position (GRCh38, 1-based): chr5:128,395,144, T duplicated on the plus strand (A on the coding strand, the reverse complement: FBN2 is on the minus strand); the first of 2 consecutive T bases (chr5:128,395,144-128,395,145); duplicating either gives the same sequence. VCF-style (leftmost placement, unchanged base first): chr5-128395143-C-CT. GRCh37 (hg19) VCF-style: chr5-127730836-C-CT.
Other names: short protein forms A404fs.
Identifiers: ClinVar variation 860377 (VCV000860377.11), dbSNP rs1752614082, ClinGen allele CA916082757.